The following is an entry in ClinVar:

ClinVar aggregate classification (germline): Pathogenic (1 of 4 stars; one submission).

Conditions:
Mucopolysaccharidosis, MPS-II (MPS2). Also called: Hunter Syndrome; IDURONATE 2-SULFATASE DEFICIENCY; Mucopolysaccharidosis Type II; Mucopolysaccharidosis type 2; Attenuated MPS (subtype; formerly known as mild MPS II); Severe MPS II. Identifiers: Orphanet 580, Orphanet 79388, MedGen C0026705, MONDO:0010674, OMIM 309900.

Submission:

Laboratory of Diagnosis and Therapy of Lysosomal Disorders, University of Padova
Classification: Pathogenic for Mucopolysaccharidosis, MPS-II. Last evaluated: 2024-06-07. Review status: criteria provided, single submitter. Criteria: ACMG Guidelines, 2015. Collection method: literature only. Allele origin: germline. Affected: yes. Observed: 1 variant allele.
Comment: Null variant (PVS1_VeryStrong), Absent from controls (or at low frequency) in gnomAD database (PM2_Moderate), Patient’s phenotype or family history highly specific for the disease (PP4_Strong)

Classification method: ACMG Guidelines [PMID:25741868] with modifications

Literature cited by the submitters: PubMed 22976768.

NM_000202.8(IDS):c.1006+2T>A

Genes: IDS (iduronate 2-sulfatase; minus strand), LOC106050102 (IDS recombination region; plus strand). Cytogenetic location: Xq28.
Variant type: single nucleotide variant.
Coding change: c.1006+2T>A on transcript NM_000202.8 (MANE Select); the canonical splice donor site of the intron after coding-DNA position 1006, T replaced by A.
Molecular consequence: splice donor variant.
Genome position (GRCh38, 1-based): chrX:149,490,312, A>T on the plus strand (T>A on the coding strand, the complement: IDS is on the minus strand). VCF-style: chrX-149490312-A-T. GRCh37 (hg19) VCF-style: chrX-148571843-A-T.
Other names: c.736+2T>A (NM_001166550.4); c.1006+2T>A (NM_006123.5).
Identifiers: ClinVar variation 3255908 (VCV003255908.2).